The following is an entry in ClinVar:

NM_000059.4(BRCA2):c.5815T>A (p.Leu1939Met)

Gene: BRCA2 (BRCA2 DNA repair associated; plus strand). Cytogenetic location: 13q13.1.
Variant type: single nucleotide variant.
Coding change: c.5815T>A on transcript NM_000059.4 (MANE Select); coding-DNA position 5815, T replaced by A.
Protein change: p.Leu1939Met; replaces leucine 1939 with methionine.
Molecular consequence: missense variant.
Genome position (GRCh38, 1-based): chr13:32,340,170, T>A. VCF-style: chr13-32340170-T-A. GRCh37 (hg19) VCF-style: chr13-32914307-T-A.
Other names: c.5815T>A, p.Leu1939Met (NM_001406719.1, NM_001406720.1); short protein forms L1939M.
Identifiers: ClinVar variation 2134339 (VCV002134339.6), dbSNP rs1171546018, ClinGen allele CA387787262.

ClinVar aggregate classification (germline): Conflicting classifications of pathogenicity. Review status: criteria provided, conflicting classifications (1 of 4 stars). 2 submissions from 2 submitters: Uncertain significance (1); Likely benign (1). Last evaluated 2023-03-23.

Conditions:
Hereditary cancer-predisposing syndrome. Also called: Hereditary neoplastic syndrome; Hereditary Cancer Syndrome; Tumor predisposition; Neoplastic Syndromes, Hereditary. Identifiers: Orphanet 140162, MedGen C0027672, MeSH D009386, MONDO:0015356.
Hereditary breast ovarian cancer syndrome. Also called: Hereditary breast and ovarian cancer; Hereditary breast and/or ovarian cancer syndrome; Hereditary breast and ovarian cancer syndrome (HBOC); Breast and ovarian cancer; Hereditary breast and ovarian cancer syndrome; BRCA1- and BRCA2-Associated Hereditary Breast and Ovarian Cancer. Identifiers: Orphanet 145, MedGen C0677776, MeSH D061325, MONDO:0003582. Disease mechanism: loss of function.

Submissions (2):

University of Washington Department of Laboratory Medicine, University of Washington
Classification: Likely benign for Hereditary cancer-predisposing syndrome. Last evaluated: 2023-03-23. Review status: criteria provided, single submitter. Criteria: Dines et al. (Genet Med. 2020). Collection method: curation. Allele origin: germline.
Comment: Missense variant in a coldspot region where missense variants are very unlikely to be pathogenic (PMID:31911673).

BRCA2 exon 11 coldspot. Reclassification based on statistical prior probability.

Labcorp Genetics (formerly Invitae), Labcorp
Classification: Uncertain significance for Hereditary breast ovarian cancer syndrome. Last evaluated: 2022-05-05. Review status: criteria provided, single submitter. Criteria: Invitae Variant Classification Sherloc (09022015). Collection method: clinical testing. Allele origin: germline.
Comment: This variant is not present in population databases (gnomAD no frequency). This variant has not been reported in the literature in individuals affected with BRCA2-related conditions. Advanced modeling of protein sequence and biophysical properties (such as structural, functional, and spatial information, amino acid conservation, physicochemical variation, residue mobility, and thermodynamic stability) performed at Invitae indicates that this missense variant is not expected to disrupt BRCA2 protein function. In summary, the available evidence is currently insufficient to determine the role of this variant in disease. Therefore, it has been classified as a Variant of Uncertain Significance. This sequence change replaces leucine, which is neutral and non-polar, with methionine, which is neutral and non-polar, at codon 1939 of the BRCA2 protein (p.Leu1939Met).